The following is an entry in ClinVar:

NM_000081.4(LYST):c.916T>G (p.Leu306Val)

Gene: LYST (lysosomal trafficking regulator; minus strand). Cytogenetic location: 1q42.3.
Variant type: single nucleotide variant.
Coding change: c.916T>G on transcript NM_000081.4 (MANE Select); coding-DNA position 916, T replaced by G.
Protein change: p.Leu306Val; replaces leucine 306 with valine.
Molecular consequence: missense variant.
Genome position (GRCh38, 1-based): chr1:235,809,902, A>C on the plus strand (T>G on the coding strand, the complement: LYST is on the minus strand). VCF-style: chr1-235809902-A-C. GRCh37 (hg19) VCF-style: chr1-235973202-A-C.
Other names: c.916T>G (NM_000081.2); c.916T>G, p.Leu306Val (NM_001301365.1); short protein forms L306V.
Identifiers: ClinVar variation 296432 (VCV000296432.9), dbSNP rs762709482, ClinGen allele CA1467541.
Genomic context (GRCh38, chr1:235,809,902, plus strand): 5'-TCCTTTGAATCAAAGCCACCGGTTCTTCGGTCCAACCTGCAGAAACTACTCGACTCTCCA[A>C]GTTGTCGCTCAGACTGCAGCAGTCCCCAAAGCCTGCTAGGAATTCAGTTAGTGTGGGCAC-3'
Protein context (NP_000072.2, residues 296-316): FGDCCSLSDN[Leu306Val]ESRVVSAGWT

ClinVar aggregate classification (germline): Uncertain significance. Review status: criteria provided, multiple submitters, no conflicts (2 of 4 stars). 3 submissions from 3 submitters: Uncertain significance (3). Last evaluated 2023-03-23.

Conditions:
Inborn genetic diseases. Identifiers: MedGen C0950123, MeSH D030342.
Chédiak-Higashi syndrome (CHS). Also called: Chediak-Higashi Syndrome. Identifiers: Orphanet 167, MedGen C0007965, MONDO:0008963, OMIM 214500.

Allele frequency attached by ClinVar (database versions not stated): ExAC 0.00001; gnomAD 0.00001; gnomAD exomes 0.00001; TOPMed 0.00001.
gnomAD v4.1: 8 of 1,613,886 alleles (0.0005%); no homozygotes.

Submissions (3):

Ambry Genetics
Classification: Uncertain significance for Inborn genetic diseases. Last evaluated: 2023-03-23. Review status: criteria provided, single submitter. Criteria: Ambry Variant Classification Scheme 2023. Collection method: clinical testing. Allele origin: germline.

Labcorp Genetics (formerly Invitae), Labcorp
Classification: Uncertain significance for Chédiak-Higashi syndrome. Last evaluated: 2022-03-19. Review status: criteria provided, single submitter. Criteria: Invitae Variant Classification Sherloc (09022015). Collection method: clinical testing. Allele origin: germline.
Comment: This sequence change replaces leucine, which is neutral and non-polar, with valine, which is neutral and non-polar, at codon 306 of the LYST protein (p.Leu306Val). This variant is present in population databases (rs762709482, gnomAD 0.02%). This variant has not been reported in the literature in individuals affected with LYST-related conditions. ClinVar contains an entry for this variant (Variation ID: 296432). Algorithms developed to predict the effect of missense changes on protein structure and function are either unavailable or do not agree on the potential impact of this missense change (SIFT: "Tolerated"; PolyPhen-2: "Probably Damaging"; Align-GVGD: "Class C0"). In summary, the available evidence is currently insufficient to determine the role of this variant in disease. Therefore, it has been classified as a Variant of Uncertain Significance.

Illumina Laboratory Services, Illumina
Classification: Uncertain significance for Chédiak-Higashi syndrome. Last evaluated: 2018-01-12. Review status: criteria provided, single submitter. Criteria: ICSL Variant Classification Criteria 13 December 2019. Collection method: clinical testing. Allele origin: germline.